The following is an entry in ClinVar:

ClinVar aggregate classification (germline): Uncertain significance. Review status: criteria provided, multiple submitters, no conflicts (2 of 4 stars). 2 submissions from 2 submitters: Uncertain significance (2). Last evaluated 2023-10-06.

Conditions:
Hereditary cancer-predisposing syndrome. Also called: Hereditary neoplastic syndrome; Neoplastic Syndromes, Hereditary; Tumor predisposition; Hereditary Cancer Syndrome. Identifiers: Orphanet 140162, MedGen C0027672, MeSH D009386, MONDO:0015356.
DICER1-related tumor predisposition. Also called: DICER1 syndrome; DICER1-related pleuropulmonary blastoma cancer predisposition syndrome. Identifiers: Orphanet 284343, MedGen C3839822, MONDO:0100216.

Allele frequency attached by ClinVar (database versions not stated): gnomAD exomes below 0.00001; ExAC 0.00001.
gnomAD v4.1: 2 of 1,614,224 alleles (0.00012%); highest among the groups gnomAD compares: Non-Finnish European, 0.00017%; no homozygotes.

Submissions (2):

Ambry Genetics
Classification: Uncertain significance for Hereditary cancer-predisposing syndrome. Last evaluated: 2023-10-06. Review status: criteria provided, single submitter. Criteria: Ambry Variant Classification Scheme 2023. Collection method: clinical testing. Allele origin: germline.
Comment: The p.R1194G variant (also known as c.3580A>G), located in coding exon 20 of the DICER1 gene, results from an A to G substitution at nucleotide position 3580. The arginine at codon 1194 is replaced by glycine, an amino acid with dissimilar properties. This amino acid position is well conserved in available vertebrate species. In addition, this alteration is predicted to be tolerated by in silico analysis. Since supporting evidence is limited at this time, the clinical significance of this alteration remains unclear.

Labcorp Genetics (formerly Invitae), Labcorp
Classification: Uncertain significance for DICER1-related tumor predisposition. Last evaluated: 2023-07-14. Review status: criteria provided, single submitter. Criteria: Invitae Variant Classification Sherloc (09022015). Collection method: clinical testing. Allele origin: germline.
Comment: This sequence change replaces arginine, which is basic and polar, with glycine, which is neutral and non-polar, at codon 1194 of the DICER1 protein (p.Arg1194Gly). This variant is present in population databases (rs766545351, gnomAD 0.0009%). This variant has not been reported in the literature in individuals affected with DICER1-related conditions. ClinVar contains an entry for this variant (Variation ID: 1023382). An algorithm developed to predict the effect of missense changes on protein structure and function (PolyPhen-2) suggests that this variant¬†is likely to be tolerated. In summary, the available evidence is currently insufficient to determine the role of this variant in disease. Therefore, it has been classified as a Variant of Uncertain Significance.

NM_177438.3(DICER1):c.3580A>G (p.Arg1194Gly)

Gene: DICER1 (dicer 1, ribonuclease III; minus strand). Cytogenetic location: 14q32.13.
Variant type: single nucleotide variant.
Coding change: c.3580A>G on transcript NM_177438.3 (MANE Select); coding-DNA position 3580, A replaced by G.
Protein change: p.Arg1194Gly; replaces arginine 1194 with glycine.
Molecular consequence: missense variant.
Genome position (GRCh38, 1-based): chr14:95,103,816, T>C on the plus strand (A>G on the coding strand, the complement: DICER1 is on the minus strand). VCF-style: chr14-95103816-T-C. GRCh37 (hg19) VCF-style: chr14-95570153-T-C.
Other names: c.3580A>G, p.Arg1194Gly (NM_030621.4, NM_001195573.1, NM_001271282.3 and 1 more transcripts); c.3580A>G (NM_177438.2); short protein forms R1194G.
Identifiers: ClinVar variation 1023382 (VCV001023382.9), dbSNP rs766545351, ClinGen allele CA7331023.